The following is an entry in ClinVar:

NM_020708.5(SLC12A5):c.317C>T (p.Pro106Leu)

Gene: SLC12A5 (solute carrier family 12 member 5; plus strand). Cytogenetic location: 20q13.12.
Variant type: single nucleotide variant.
Coding change: c.317C>T on transcript NM_020708.5 (MANE Select); coding-DNA position 317, C replaced by T.
Protein change: p.Pro106Leu; replaces proline 106 with leucine.
Molecular consequence: missense variant.
Genome position (GRCh38, 1-based): chr20:46,035,814, C>T. VCF-style: chr20-46035814-C-T. GRCh37 (hg19) VCF-style: chr20-44664453-C-T.
Other names: c.386C>T, p.Pro129Leu (NM_001134771.2); short protein forms P129L, P106L.
Identifiers: ClinVar variation 971851 (VCV000971851.11), dbSNP rs2084493674, ClinGen allele CA409187551.

ClinVar aggregate classification (germline): Uncertain significance. Review status: criteria provided, multiple submitters, no conflicts (2 of 4 stars). 2 submissions from 2 submitters: Uncertain significance (2). Last evaluated 2025-01-06.

Conditions:
Developmental and epileptic encephalopathy, 34 (DEE34). Also called: Early infantile epileptic encephalopathy 34; SLC12A5-Related Epilepsy of Infancy with Migrating Focal Seizures. Identifiers: Orphanet 293181, MedGen C4225257, MONDO:0014718, OMIM 616645.

Submissions (2):

Labcorp Genetics (formerly Invitae), Labcorp
Classification: Uncertain significance for Developmental and epileptic encephalopathy, 34. Last evaluated: 2025-01-06. Review status: criteria provided, single submitter. Criteria: Invitae Variant Classification Sherloc (09022015). Collection method: clinical testing. Allele origin: germline.
Comment: This sequence change replaces proline, which is neutral and non-polar, with leucine, which is neutral and non-polar, at codon 106 of the SLC12A5 protein (p.Pro106Leu). This variant is not present in population databases (gnomAD no frequency). This variant has not been reported in the literature in individuals affected with SLC12A5-related conditions. ClinVar contains an entry for this variant (Variation ID: 971851). Invitae Evidence Modeling of protein sequence and biophysical properties (such as structural, functional, and spatial information, amino acid conservation, physicochemical variation, residue mobility, and thermodynamic stability) indicates that this missense variant is expected to disrupt SLC12A5 protein function with a positive predictive value of 80%. In summary, the available evidence is currently insufficient to determine the role of this variant in disease. Therefore, it has been classified as a Variant of Uncertain Significance.

Baylor Genetics
Classification: Uncertain significance for Developmental and epileptic encephalopathy, 34. Last evaluated: 2020-05-05. Review status: criteria provided, single submitter. Criteria: ACMG Guidelines, 2015. Collection method: clinical testing. Allele origin: unknown. Affected: yes.
Comment: This variant was determined to be of uncertain significance according to ACMG Guidelines, 2015 [PMID:25741868].